The following is an entry in ClinVar:

NM_001220.5(CAMK2B):c.23C>A (p.Thr8Asn)

Gene: CAMK2B (calcium/calmodulin dependent protein kinase II beta; minus strand). Cytogenetic location: 7p13.
Variant type: single nucleotide variant.
Coding change: c.23C>A on transcript NM_001220.5 (MANE Select); coding-DNA position 23, C replaced by A.
Protein change: p.Thr8Asn; replaces threonine 8 with asparagine.
Molecular consequence: missense variant.
Genome position (GRCh38, 1-based): chr7:44,325,399, G>T on the plus strand (C>A on the coding strand, the complement: CAMK2B is on the minus strand). VCF-style: chr7-44325399-G-T. GRCh37 (hg19) VCF-style: chr7-44364998-G-T.
Other names: c.23C>A, p.Thr8Asn (NM_001293170.2, NM_172078.3, NM_172079.3 and 5 more transcripts); short protein forms T8N.
Identifiers: ClinVar variation 1687391 (VCV001687391.1), dbSNP rs1211025603, ClinGen allele CA367553419.
Genomic context (GRCh38, chr7:44,325,399, plus strand): 5'-GCGCGCCGCTGCTCTTACTTGCCAATATCCTCGTAGAGCTGGTACTCGTCGGTGAAGCGG[G>T]TGCAGGTCACCGTGGTGGCCATGGCGGCGGCGGACGGGCTCGGCGTGCGCTCGGCTGCGC-3'
Protein context (NP_001211.3, residues 1-18): MATTVTC[Thr8Asn]RFTDEYQLYE

ClinVar aggregate classification (germline): Uncertain significance (1 of 4 stars; one submission).

Conditions:
Intellectual developmental disorder, autosomal dominant 54. Also called: MENTAL RETARDATION, AUTOSOMAL DOMINANT 54; Intellectual disability, autosomal dominant 54. Identifiers: MedGen C4540484, MONDO:0030920, OMIM 617799.

Submission:

3billion
Classification: Uncertain significance for Intellectual developmental disorder, autosomal dominant 54. Last evaluated: 2022-05-22. Review status: criteria provided, single submitter. Criteria: ACMG Guidelines, 2015. Collection method: clinical testing. Allele origin: germline. Affected: yes. Observed: 1 heterozygote.
Comment: The variant is not observed in the gnomAD v2.1.1 dataset. Missense changes are a common disease-causing mechanism. In silico tool predictions suggest damaging effect of the variant on gene or gene product (REVEL: 0.13; 3Cnet: 0.86). Therefore, this variant is classified as uncertain significanceaccording to the recommendation of ACMG/AMP guideline.